The following is an entry in ClinVar:

ClinVar aggregate classification (germline): Uncertain significance. Review status: criteria provided, multiple submitters, no conflicts (2 of 4 stars). 6 submissions from 6 submitters: Uncertain significance (6). Last evaluated 2026-01-10.

Conditions:
ADGRV1-related disorder. Also called: ADGRV1-related condition; ADGRV1-related disorders.
Inborn genetic diseases. Identifiers: MedGen C0950123, MeSH D030342.

Allele frequency attached by ClinVar (database versions not stated): ExAC 0.00011.
gnomAD v4.1: 20 of 1,559,606 alleles (0.0013%); highest among the groups gnomAD compares: African/African-American, 0.015%; 1 homozygote.

Submissions (6):

GeneDx
Classification: Uncertain significance. Last evaluated: 2026-01-10. Review status: criteria provided, single submitter. Criteria: GeneDx Variant Classification Process June 2021. Collection method: clinical testing. Allele origin: germline. Affected: yes.
Comment: Not observed at significant frequency in large population cohorts (gnomAD); In silico analysis suggests that this missense variant does not alter protein structure/function; Has not been previously published as pathogenic or benign to our knowledge

CeGaT Center for Human Genetics Tuebingen
Classification: Uncertain significance. Last evaluated: 2025-06-01. Review status: criteria provided, single submitter. Criteria: CeGaT Center For Human Genetics Tuebingen Variant Classification Criteria Version 2. Collection method: clinical testing. Allele origin: germline. Affected: yes. Observed: 1 variant allele.
Comment: ADGRV1: PM2, BP4

PreventionGenetics, part of Exact Sciences
Classification: Uncertain significance for ADGRV1-related condition. Last evaluated: 2025-04-21. Review status: criteria provided, single submitter. Criteria: ACMG Guidelines, 2015. Collection method: clinical testing. Allele origin: germline.
Comment: The ADGRV1 c.13933G>A variant is predicted to result in the amino acid substitution p.Ala4645Thr. To our knowledge, this variant has not been reported in the literature. This variant is reported in 0.0027% of alleles in individuals of European (non-Finnish) descent in gnomAD; however, the coverage of this variant should be treated with caution. At this time, the clinical significance of this variant is uncertain due to the absence of conclusive functional and genetic evidence.

Labcorp Genetics (formerly Invitae), Labcorp
Classification: Uncertain significance. Last evaluated: 2024-12-29. Review status: criteria provided, single submitter. Criteria: Invitae Variant Classification Sherloc (09022015). Collection method: clinical testing. Allele origin: germline.
Comment: This sequence change replaces alanine, which is neutral and non-polar, with threonine, which is neutral and polar, at codon 4645 of the ADGRV1 protein (p.Ala4645Thr). The frequency data for this variant in the population databases is considered unreliable, as metrics indicate poor data quality at this position in the gnomAD database. This variant has not been reported in the literature in individuals affected with ADGRV1-related conditions. ClinVar contains an entry for this variant (Variation ID: 955128). Invitae Evidence Modeling of protein sequence and biophysical properties (such as structural, functional, and spatial information, amino acid conservation, physicochemical variation, residue mobility, and thermodynamic stability) indicates that this missense variant is not expected to disrupt ADGRV1 protein function with a negative predictive value of 95%. In summary, the available evidence is currently insufficient to determine the role of this variant in disease. Therefore, it has been classified as a Variant of Uncertain Significance.

Blueprint Genetics
Classification: Uncertain significance. Last evaluated: 2023-11-01. Review status: criteria provided, single submitter. Criteria: ACMG Guidelines, 2015. Collection method: clinical testing. Allele origin: germline.

Ambry Genetics
Classification: Uncertain significance for Inborn genetic diseases. Last evaluated: 2021-07-13. Review status: criteria provided, single submitter. Criteria: Ambry Variant Classification Scheme 2023. Collection method: clinical testing. Allele origin: germline.

NM_032119.4(ADGRV1):c.13933G>A (p.Ala4645Thr)

Gene: ADGRV1 (adhesion G protein-coupled receptor V1; plus strand). Cytogenetic location: 5q14.3.
Variant type: single nucleotide variant.
Coding change: c.13933G>A on transcript NM_032119.4 (MANE Select); coding-DNA position 13933, G replaced by A.
Protein change: p.Ala4645Thr; replaces alanine 4645 with threonine.
Molecular consequence: missense variant. On other transcripts: non-coding transcript variant (1).
Genome position (GRCh38, 1-based): chr5:90,789,741, G>A. VCF-style: chr5-90789741-G-A. GRCh37 (hg19) VCF-style: chr5-90085558-G-A.
Other names: short protein forms A4645T.
Identifiers: ClinVar variation 955128 (VCV000955128.21), dbSNP rs768504241, ClinGen allele CA3341644.
Genomic context (GRCh38, chr5:90,789,741, plus strand): 5'-TCTGTTGTTTATATTTTTTAGATACAAGAGTTTGGTGACCCAAATGGAGTTGTTCAGTTT[G>A]CTCCTGAAACTTTGTCTAAGAAGACTTATTCAGAGCCTCTGGCTCTGGAAGGGCCCCTGC-3'
Protein context (NP_115495.3, residues 4635-4655): FGDPNGVVQF[Ala4645Thr]PETLSKKTYS